The following is an entry in ClinVar:

ClinVar aggregate classification (germline): Uncertain significance (1 of 4 stars; one submission).

Submission:

Labcorp Genetics (formerly Invitae), Labcorp
Classification: Uncertain significance. Last evaluated: 2022-08-23. Review status: criteria provided, single submitter. Criteria: Invitae Variant Classification Sherloc (09022015). Collection method: clinical testing. Allele origin: germline.
Comment: This sequence change results in a frameshift in the SCNN1B gene (p.Asn619Thrfs*57). While this is not anticipated to result in nonsense mediated decay, it is expected to disrupt the last 22 amino acid(s) of the SCNN1B protein and extend the protein by 34 additional amino acid residues. This variant is not present in population databases (gnomAD no frequency). This variant has not been reported in the literature in individuals affected with SCNN1B-related conditions. Experimental studies and prediction algorithms are not available or were not evaluated, and the functional significance of this variant is currently unknown. In summary, the available evidence is currently insufficient to determine the role of this variant in disease. Therefore, it has been classified as a Variant of Uncertain Significance.

NM_000336.3(SCNN1B):c.1854del (p.Asn619fs)

Gene: SCNN1B (sodium channel epithelial 1 subunit beta; plus strand). Cytogenetic location: 16p12.2.
Variant type: Deletion.
Coding change: c.1854del on transcript NM_000336.3 (MANE Select); coding-DNA position 1854, one base deleted (C; older notation c.1854delC).
Protein change: p.Asn619fs; shifts the reading frame from asparagine 619.
Molecular consequence: frameshift variant.
Genome position (GRCh38, 1-based): chr16:23,380,732, C deleted; the last of 6 consecutive C bases (chr16:23,380,727-23,380,732); deleting any one gives the same sequence. VCF-style (leftmost placement, unchanged base first): chr16-23380726-GC-G. GRCh37 (hg19) VCF-style: chr16-23392047-GC-G.
Other names: c.1746delC, p.Asn583Thrfs (NM_001410900.1); short protein forms N619fs.
Identifiers: ClinVar variation 2117956 (VCV002117956.4), dbSNP rs1963032146, ClinGen allele CA645591368.
Genomic context (GRCh38, chr16:23,380,726, plus strand): 5'-CCGCAGCCCCAACACTGGGCCCTACCCCAGTGAGCAGGCCCTGCCCATCCCAGGCACCCC[GC>G]CCCCCAACTATGACTCCCTGCGTCTGCAGCCGCTGGACGTCATCGAGTCTGACAGTGAGG-3'